The following is an entry in ClinVar:

NM_001261826.3(AP3D1):c.1768G>A (p.Val590Met)

Gene: AP3D1 (adaptor related protein complex 3 subunit delta 1; minus strand). Cytogenetic location: 19p13.3.
Variant type: single nucleotide variant.
Coding change: c.1768G>A on transcript NM_001261826.3 (MANE Select); coding-DNA position 1768, G replaced by A.
Protein change: p.Val590Met; replaces valine 590 with methionine.
Molecular consequence: missense variant.
Genome position (GRCh38, 1-based): chr19:2,117,313, C>T on the plus strand (G>A on the coding strand, the complement: AP3D1 is on the minus strand). VCF-style: chr19-2117313-C-T. GRCh37 (hg19) VCF-style: chr19-2117312-C-T.
Other names: p.Val590Met; c.1768G>A, p.Val590Met (NM_001374799.1, NM_003938.8); c.1768G>A (NM_003938.5); short protein forms V590M.
Identifiers: ClinVar variation 1509775 (VCV001509775.11), dbSNP rs548213983, ClinGen allele CA9059190.

ClinVar aggregate classification (germline): Uncertain significance. Review status: criteria provided, multiple submitters, no conflicts (2 of 4 stars). 4 submissions from 4 submitters: Uncertain significance (4). Last evaluated 2025-12-17.

Conditions:
Inborn genetic diseases. Identifiers: MedGen C0950123, MeSH D030342.

Allele frequency attached by ClinVar (database versions not stated): gnomAD 0.00002 and 0.00003; gnomAD exomes 0.00002 and 0.00008; TOPMed 0.00004; ExAC 0.00007; 1000 Genomes Project 0.00020; 1000 Genomes Project 30x 0.00031.
gnomAD v4.1: 34 of 1,612,696 alleles (0.0021%); highest among the groups gnomAD compares: East Asian, 0.038%; no homozygotes.

Submissions (4):

Labcorp Genetics (formerly Invitae), Labcorp
Classification: Uncertain significance. Last evaluated: 2025-12-17. Review status: criteria provided, single submitter. Criteria: Invitae Variant Classification Sherloc (09022015). Collection method: clinical testing. Allele origin: germline.
Comment: This sequence change replaces valine, which is neutral and non-polar, with methionine, which is neutral and non-polar, at codon 590 of the AP3D1 protein (p.Val590Met). This variant is present in population databases (rs548213983, gnomAD 0.1%). This variant has not been reported in the literature in individuals affected with AP3D1-related conditions. ClinVar contains an entry for this variant (Variation ID: 1509775). An algorithm developed to predict the effect of missense changes on protein structure and function outputs the following: PolyPhen-2: "Benign". The methionine amino acid residue is found in multiple mammalian species, which suggests that this missense change does not adversely affect protein function. In summary, the available evidence is currently insufficient to determine the role of this variant in disease. Therefore, it has been classified as a Variant of Uncertain Significance.

Mayo Clinic Laboratories, Mayo Clinic
Classification: Uncertain significance. Last evaluated: 2025-04-07. Review status: criteria provided, single submitter. Criteria: ACMG Guidelines, 2015. Collection method: clinical testing. Allele origin: germline. Observed: 1 variant allele.
Comment: BP4

Ambry Genetics
Classification: Uncertain significance for Inborn genetic diseases. Last evaluated: 2022-08-16. Review status: criteria provided, single submitter. Criteria: Ambry Variant Classification Scheme 2023. Collection method: clinical testing. Allele origin: germline.

Breakthrough Genomics
Classification: Uncertain significance. Review status: criteria provided, single submitter. Criteria: ACMG Guidelines, 2015. Collection method: not provided. Allele origin: germline. Inheritance: Autosomal recessive inheritance. Affected: yes.